The following is an entry in ClinVar:

NM_001943.5(DSG2):c.2993G>A (p.Gly998Glu)

Genes: DSG2 (desmoglein 2; plus strand), DSG2-AS1 (DSG2 antisense RNA 1; minus strand). Cytogenetic location: 18q12.1.
Variant type: single nucleotide variant.
Coding change: c.2993G>A on transcript NM_001943.5 (MANE Select); coding-DNA position 2993, G replaced by A.
Protein change: p.Gly998Glu; replaces glycine 998 with glutamic acid.
Molecular consequence: missense variant.
Genome position (GRCh38, 1-based): chr18:31,546,379, G>A. VCF-style: chr18-31546379-G-A. GRCh37 (hg19) VCF-style: chr18-29126342-G-A.
Other names: short protein forms G998E.
Identifiers: ClinVar variation 4015026 (VCV004015026.1).

ClinVar aggregate classification (germline): Uncertain significance (1 of 4 stars; one submission).

Conditions:
Cardiovascular phenotype. Identifiers: MedGen CN230736.

Submission:

Ambry Genetics
Classification: Uncertain significance for Cardiovascular phenotype. Last evaluated: 2025-06-10. Review status: criteria provided, single submitter. Criteria: Ambry Variant Classification Scheme 2023. Collection method: clinical testing. Allele origin: germline.
Comment: The p.G998E variant (also known as c.2993G>A), located in coding exon 15 of the DSG2 gene, results from a G to A substitution at nucleotide position 2993. The glycine at codon 998 is replaced by glutamic acid, an amino acid with similar properties. This amino acid position is conserved. In addition, this alteration is predicted to be tolerated by in silico analysis. Based on the available evidence, the clinical significance of this variant remains unclear.